The following is an entry in ClinVar:

ClinVar aggregate classification (germline): Uncertain significance. Review status: criteria provided, multiple submitters, no conflicts (2 of 4 stars). 2 submissions from 2 submitters: Uncertain significance (2). Last evaluated 2025-03-16.

gnomAD v4.1: 15 of 1,614,070 alleles (0.00093%); highest among the groups gnomAD compares: African/African-American, 0.017%; no homozygotes.

Submissions (2):

Ambry Genetics
Classification: Uncertain significance. Last evaluated: 2025-03-16. Review status: criteria provided, single submitter. Criteria: Ambry Variant Classification Scheme 2023. Collection method: clinical testing. Allele origin: germline.
Comment: The p.E81V variant (also known as c.242A>T), located in coding exon 1 of the TET2 gene, results from an A to T substitution at nucleotide position 242. The glutamic acid at codon 81 is replaced by valine, an amino acid with dissimilar properties. This amino acid position is conserved. In addition, the in silico prediction for this alteration is inconclusive. Based on the available evidence, the clinical significance of this variant remains unclear.

Labcorp Genetics (formerly Invitae), Labcorp
Classification: Uncertain significance. Last evaluated: 2024-09-19. Review status: criteria provided, single submitter. Criteria: Invitae Variant Classification Sherloc (09022015). Collection method: clinical testing. Allele origin: germline.
Comment: This sequence change replaces glutamic acid, which is acidic and polar, with valine, which is neutral and non-polar, at codon 81 of the TET2 protein (p.Glu81Val). This variant is present in population databases (rs765003037, gnomAD 0.007%). This variant has not been reported in the literature in individuals affected with TET2-related conditions. An algorithm developed to predict the effect of missense changes on protein structure and function (PolyPhen-2) suggests that this variant is likely to be disruptive. Algorithms developed to predict the effect of sequence changes on RNA splicing suggest that this variant may create or strengthen a splice site. In summary, the available evidence is currently insufficient to determine the role of this variant in disease. Therefore, it has been classified as a Variant of Uncertain Significance.

NM_001127208.3(TET2):c.242A>T (p.Glu81Val)

Genes: TET2 (tet methylcytosine dioxygenase 2; plus strand), TET2-AS1 (TET2 antisense RNA 1; minus strand). Cytogenetic location: 4q24.
Variant type: single nucleotide variant.
Coding change: c.242A>T on transcript NM_001127208.3 (MANE Select); coding-DNA position 242, A replaced by T.
Protein change: p.Glu81Val; replaces glutamic acid 81 with valine.
Molecular consequence: missense variant.
Genome position (GRCh38, 1-based): chr4:105,234,184, A>T. VCF-style: chr4-105234184-A-T. GRCh37 (hg19) VCF-style: chr4-106155341-A-T.
Other names: c.242A>T, p.Glu81Val (NM_017628.4); short protein forms E81V.
Identifiers: ClinVar variation 3624844 (VCV003624844.4).